The following is an entry in ClinVar:

ClinVar aggregate classification (germline): Benign (1 of 4 stars; one submission).

Allele frequency attached by ClinVar (database versions not stated): gnomAD 0.78324 and 0.78837; TOPMed 0.78404; 1000 Genomes Project 30x 0.80559; 1000 Genomes Project 0.80811.
gnomAD v4.1: 120,086 of 152,190 alleles (79%); highest among the groups gnomAD compares: East Asian, 92%; 47,976 homozygotes.

Submission:

GeneDx
Classification: Benign. Last evaluated: 2018-06-14. Review status: criteria provided, single submitter. Criteria: GeneDx Variant Classification (06012015). Collection method: clinical testing. Allele origin: germline. Affected: yes.
Comment: This variant is considered likely benign or benign based on one or more of the following criteria: it is a conservative change, it occurs at a poorly conserved position in the protein, it is predicted to be benign by multiple in silico algorithms, and/or has population frequency not consistent with disease.

NM_213595.4(ISCU):c.228+271T>C

Gene: ISCU (iron-sulfur cluster assembly enzyme; plus strand). Cytogenetic location: 12q23.3.
Variant type: single nucleotide variant.
Coding change: c.228+271T>C on transcript NM_213595.4 (MANE Select); 271 bases into the intron after coding-DNA position 228, T replaced by C.
Molecular consequence: intron variant.
Genome position (GRCh38, 1-based): chr12:108,564,663, T>C. VCF-style: chr12-108564663-T-C. GRCh37 (hg19) VCF-style: chr12-108958439-T-C.
Other names: c.153+271T>C (NM_014301.4); c.228+271T>C (NM_001320042.1, NM_001301140.1, NM_001301141.1).
Identifiers: ClinVar variation 684116 (VCV000684116.1), dbSNP rs10083175, ClinGen allele CA13701972.
Genomic context (GRCh38, chr12:108,564,663, plus strand): 5'-AACTTTTTCCAAAATAGAAAAGTAATCTCATTTTTGTACTCACTGTATCAGTTTAAATTC[T>C]GACTTCAGCCAACTAAAGAGTTTTGTGAATTTTACTGATCAAAGGAAAATCCCAGTGAGC-3'